The following is an entry in ClinVar:

ClinVar aggregate classification (germline): Conflicting classifications of pathogenicity. Review status: criteria provided, conflicting classifications (1 of 4 stars). 4 submissions from 4 submitters: Uncertain significance (2); Likely benign (1). 1 of the submissions does not count toward it. Last evaluated 2026-01-26.

Conditions:
SACS-related disorder. Also called: SACS-related condition.
Charlevoix-Saguenay spastic ataxia (SACS). Also called: Spastic ataxia of Charlevoix-Saguenay; SPASTIC ATAXIA 6, AUTOSOMAL RECESSIVE; AUTOSOMAL RECESSIVE SPASTIC ATAXIA OF CHARLEVOIX-SAGUENAY. Identifiers: Orphanet 98, MedGen C1849140, MONDO:0010041, OMIM 270550.
Hereditary spastic paraplegia. Also called: Familial spastic paraparesis. Identifiers: Orphanet 685, MedGen C0037773, MONDO:0019064. Disease mechanism: loss of function.
Spastic paraplegia. Identifiers: MedGen C0037772, HP:0001258.

Allele frequency attached by ClinVar (database versions not stated): gnomAD exomes 0.00005 and 0.00021; gnomAD 0.00008 and 0.00009; TOPMed 0.00017; ExAC 0.00020; 1000 Genomes Project 0.00060; 1000 Genomes Project 30x 0.00094.
gnomAD v4.1: 96 of 1,614,174 alleles (0.0059%); highest among the groups gnomAD compares: East Asian, 0.18%; no homozygotes.

Submissions (4):

Labcorp Genetics (formerly Invitae), Labcorp
Classification: Likely benign for Spastic paraplegia. Last evaluated: 2026-01-26. Review status: criteria provided, single submitter. Criteria: Invitae Variant Classification Sherloc (09022015). Collection method: clinical testing. Allele origin: germline.

Revvity Omics, Revvity
Classification: Uncertain significance for Charlevoix-Saguenay spastic ataxia. Last evaluated: 2019-11-18. Review status: criteria provided, single submitter. Criteria: ACMG Guidelines, 2015. Collection method: clinical testing. Allele origin: germline.

Genome Diagnostics Laboratory, The Hospital for Sick Children
Classification: Uncertain significance for Hereditary spastic paraplegia. Last evaluated: 2019-08-01. Review status: criteria provided, single submitter. Criteria: ACMG Guidelines, 2015. Collection method: clinical testing. Allele origin: germline. Affected: yes.

PreventionGenetics, part of Exact Sciences
Classification: Likely benign for SACS-related condition. Last evaluated: 2022-03-15. Review status: no assertion criteria provided. Collection method: clinical testing. Allele origin: germline. Not counted in ClinVar's aggregate classification.
Comment: This variant is classified as likely benign based on ACMG/AMP sequence variant interpretation guidelines (Richards et al. 2015 PMID: 25741868, with internal and published modifications).

NM_014363.6(SACS):c.1026A>T (p.Lys342Asn)

Gene: SACS (sacsin molecular chaperone; minus strand). Cytogenetic location: 13q12.12.
Variant type: single nucleotide variant.
Coding change: c.1026A>T on transcript NM_014363.6 (MANE Select); coding-DNA position 1026, A replaced by T.
Protein change: p.Lys342Asn; replaces lysine 342 with asparagine.
Molecular consequence: missense variant.
Genome position (GRCh38, 1-based): chr13:23,355,586, T>A on the plus strand (A>T on the coding strand, the complement: SACS is on the minus strand). VCF-style: chr13-23355586-T-A. GRCh37 (hg19) VCF-style: chr13-23929725-T-A.
Other names: c.585A>T, p.Lys195Asn (NM_001278055.2); short protein forms K195N, K342N.
Identifiers: ClinVar variation 696034 (VCV000696034.18), dbSNP rs190623423, ClinGen allele CA6911989.